The following is an entry in ClinVar:

NM_004281.4(BAG3):c.31C>A (p.Gln11Lys)

Gene: BAG3 (BAG cochaperone 3; plus strand). Cytogenetic location: 10q26.11.
Variant type: single nucleotide variant.
Coding change: c.31C>A on transcript NM_004281.4 (MANE Select); coding-DNA position 31, C replaced by A.
Protein change: p.Gln11Lys; replaces glutamine 11 with lysine.
Molecular consequence: missense variant.
Genome position (GRCh38, 1-based): chr10:119,651,706, C>A. VCF-style: chr10-119651706-C-A. GRCh37 (hg19) VCF-style: chr10-121411218-C-A.
Other names: short protein forms Q11K.
Identifiers: ClinVar variation 2923442 (VCV002923442.3), dbSNP rs1468932645, ClinGen allele CA378294028.

ClinVar aggregate classification (germline): Uncertain significance (1 of 4 stars; one submission).

Conditions:
Myofibrillar myopathy 6. Identifiers: Orphanet 199340, MedGen C2751831, MONDO:0013061, OMIM 612954.
Dilated cardiomyopathy 1HH (CMD1HH). Identifiers: Orphanet 154, MedGen C3151293, MONDO:0013479, OMIM 613881.

Allele frequency attached by ClinVar (database versions not stated): TOPMed below 0.00001.
gnomAD v4.1: 1 of 1,593,806 alleles (0.000063%); no homozygotes.

Submission:

Labcorp Genetics (formerly Invitae), Labcorp
Classification: Uncertain significance for Dilated cardiomyopathy 1HH; Myofibrillar myopathy 6. Last evaluated: 2023-04-26. Review status: criteria provided, single submitter. Criteria: Invitae Variant Classification Sherloc (09022015). Collection method: clinical testing. Allele origin: germline.
Comment: In summary, the available evidence is currently insufficient to determine the role of this variant in disease. Therefore, it has been classified as a Variant of Uncertain Significance. An algorithm developed to predict the effect of missense changes on protein structure and function (PolyPhen-2) suggests that this variant is likely to be disruptive. This variant has not been reported in the literature in individuals affected with BAG3-related conditions. This variant is not present in population databases (gnomAD no frequency). This sequence change replaces glutamine, which is neutral and polar, with lysine, which is basic and polar, at codon 11 of the BAG3 protein (p.Gln11Lys).